The following is an entry in ClinVar:

NM_006939.4(SOS2):c.3814C>A (p.Arg1272Ser)

Gene: SOS2 (SOS Ras/Rho guanine nucleotide exchange factor 2; minus strand). Cytogenetic location: 14q21.3.
Variant type: single nucleotide variant.
Coding change: c.3814C>A on transcript NM_006939.4 (MANE Select); coding-DNA position 3814, C replaced by A.
Protein change: p.Arg1272Ser; replaces arginine 1272 with serine.
Molecular consequence: missense variant.
Genome position (GRCh38, 1-based): chr14:50,118,529, G>T on the plus strand (C>A on the coding strand, the complement: SOS2 is on the minus strand). VCF-style: chr14-50118529-G-T. GRCh37 (hg19) VCF-style: chr14-50585247-G-T.
Other names: c.3814C>A (NM_006939.2); short protein forms R1272S.
Identifiers: ClinVar variation 1399673 (VCV001399673.7), dbSNP rs1005498417, ClinGen allele CA389637604.

ClinVar aggregate classification (germline): Uncertain significance. Review status: criteria provided, multiple submitters, no conflicts (2 of 4 stars). 2 submissions from 2 submitters: Uncertain significance (2). Last evaluated 2025-10-09.

Conditions:
Noonan syndrome 9 (NS9). Identifiers: Orphanet 648, MedGen C4225282, MONDO:0014691, OMIM 616559.
Cardiovascular phenotype. Identifiers: MedGen CN230736.

Submissions (2):

Labcorp Genetics (formerly Invitae), Labcorp
Classification: Uncertain significance for Noonan syndrome 9. Last evaluated: 2025-10-09. Review status: criteria provided, single submitter. Criteria: Invitae Variant Classification Sherloc (09022015). Collection method: clinical testing. Allele origin: germline.
Comment: This sequence change replaces arginine, which is basic and polar, with serine, which is neutral and polar, at codon 1272 of the SOS2 protein (p.Arg1272Ser). This variant is not present in population databases (gnomAD no frequency). This variant has not been reported in the literature in individuals affected with SOS2-related conditions. ClinVar contains an entry for this variant (Variation ID: 1399673). Invitae Evidence Modeling of protein sequence and biophysical properties (such as structural, functional, and spatial information, amino acid conservation, physicochemical variation, residue mobility, and thermodynamic stability) indicates that this missense variant is not expected to disrupt SOS2 protein function with a negative predictive value of 95%. In summary, the available evidence is currently insufficient to determine the role of this variant in disease. Therefore, it has been classified as a Variant of Uncertain Significance.

Ambry Genetics
Classification: Uncertain significance for Cardiovascular phenotype. Last evaluated: 2025-09-07. Review status: criteria provided, single submitter. Criteria: Ambry Variant Classification Scheme 2023. Collection method: clinical testing. Allele origin: germline.
Comment: The p.R1272S variant (also known as c.3814C>A), located in coding exon 23 of the SOS2 gene, results from a C to A substitution at nucleotide position 3814. The arginine at codon 1272 is replaced by serine, an amino acid with dissimilar properties. This amino acid position is conserved. In addition, the in silico prediction for this alteration is inconclusive. Based on the available evidence, the clinical significance of this variant remains unclear.